The following is an entry in ClinVar:

NM_004260.4(RECQL4):c.2577G>T (p.Arg859Ser)

Gene: RECQL4 (RecQ like helicase 4; minus strand). Cytogenetic location: 8q24.3.
Variant type: single nucleotide variant.
Coding change: c.2577G>T on transcript NM_004260.4 (MANE Select); coding-DNA position 2577, G replaced by T.
Protein change: p.Arg859Ser; replaces arginine 859 with serine.
Molecular consequence: missense variant. On other transcripts: non-coding transcript variant (3).
Genome position (GRCh38, 1-based): chr8:144,513,025, C>A on the plus strand (G>T on the coding strand, the complement: RECQL4 is on the minus strand). VCF-style: chr8-144513025-C-A. GRCh37 (hg19) VCF-style: chr8-145738408-C-A.
Other names: c.2283G>T, p.Arg761Ser (NM_001413017.1); c.2379G>T, p.Arg793Ser (NM_001413018.1); c.2577G>T, p.Arg859Ser (NM_001413019.1, NM_001413036.1); c.2481G>T, p.Arg827Ser (NM_001413020.1); c.1506G>T, p.Arg502Ser (NM_001413021.1, NM_001413022.1, NM_001413023.1 and 5 more transcripts); c.2448G>T, p.Arg816Ser (NM_001413025.1); c.1440G>T, p.Arg480Ser (NM_001413027.1, NM_001413030.1, NM_001413032.1 and 1 more transcripts); c.2226G>T, p.Arg742Ser (NM_001413029.1); and 6 more; short protein forms R436S, R458S, R742S, R793S, R816S, R370S, R492S, R502S.
Identifiers: ClinVar variation 3944352 (VCV003944352.1).

ClinVar aggregate classification (germline): Uncertain significance (1 of 4 stars; one submission).

Conditions:
Inborn genetic diseases. Identifiers: MedGen C0950123, MeSH D030342.

Submission:

Ambry Genetics
Classification: Uncertain significance for Inborn genetic diseases. Last evaluated: 2025-06-06. Review status: criteria provided, single submitter. Criteria: Ambry Variant Classification Scheme 2023. Collection method: clinical testing. Allele origin: germline.
Comment: The p.R859S variant (also known as c.2577G>T), located in coding exon 15 of the RECQL4 gene, results from a G to T substitution at nucleotide position 2577. The arginine at codon 859 is replaced by serine, an amino acid with dissimilar properties. This amino acid position is conserved. In addition, this alteration is predicted to be tolerated by in silico analysis. Based on the available evidence, the clinical significance of this variant remains unclear.